The following is an entry in ClinVar:

ClinVar aggregate classification (germline): Uncertain significance (1 of 4 stars; one submission).

Submission:

Labcorp Genetics (formerly Invitae), Labcorp
Classification: Uncertain significance. Last evaluated: 2023-07-17. Review status: criteria provided, single submitter. Criteria: Invitae Variant Classification Sherloc (09022015). Collection method: clinical testing. Allele origin: germline.
Comment: This variant has not been reported in the literature in individuals affected with ANK3-related conditions. This variant is not present in population databases (gnomAD no frequency). This sequence change replaces serine, which is neutral and polar, with glycine, which is neutral and non-polar, at codon 167 of the ANK3 protein (p.Ser167Gly). ClinVar contains an entry for this variant (Variation ID: 1440391). In summary, the available evidence is currently insufficient to determine the role of this variant in disease. Therefore, it has been classified as a Variant of Uncertain Significance. Advanced modeling of protein sequence and biophysical properties (such as structural, functional, and spatial information, amino acid conservation, physicochemical variation, residue mobility, and thermodynamic stability) performed at Invitae indicates that this missense variant is not expected to disrupt ANK3 protein function.

NM_020987.5(ANK3):c.499A>G (p.Ser167Gly)

Gene: ANK3 (ankyrin 3; minus strand). Cytogenetic location: 10q21.2.
Variant type: single nucleotide variant.
Coding change: c.499A>G on transcript NM_020987.5 (MANE Select); coding-DNA position 499, A replaced by G.
Protein change: p.Ser167Gly; replaces serine 167 with glycine.
Molecular consequence: missense variant.
Genome position (GRCh38, 1-based): chr10:60,270,145, T>C on the plus strand (A>G on the coding strand, the complement: ANK3 is on the minus strand). VCF-style: chr10-60270145-T-C. GRCh37 (hg19) VCF-style: chr10-62029903-T-C.
Other names: c.481A>G, p.Ser161Gly (NM_001204403.2); c.448A>G, p.Ser150Gly (NM_001204404.2); c.499A>G, p.Ser167Gly (NM_001320874.2); short protein forms S150G, S161G, S167G.
Identifiers: ClinVar variation 1440391 (VCV001440391.8), dbSNP rs2132670869, ClinGen allele CA376993505.